The following is an entry in ClinVar:

NM_007194.4(CHEK2):c.272C>T (p.Ala91Val)

Gene: CHEK2 (checkpoint kinase 2; minus strand). Cytogenetic location: 22q12.1.
Variant type: single nucleotide variant.
Coding change: c.272C>T on transcript NM_007194.4 (MANE Select); coding-DNA position 272, C replaced by T.
Protein change: p.Ala91Val; replaces alanine 91 with valine.
Molecular consequence: missense variant.
Genome position (GRCh38, 1-based): chr22:28,734,450, G>A on the plus strand (C>T on the coding strand, the complement: CHEK2 is on the minus strand). VCF-style: chr22-28734450-G-A. GRCh37 (hg19) VCF-style: chr22-29130438-G-A.
Other names: c.272C>T, p.Ala91Val (NM_001005735.3, NM_001349956.3, NM_145862.3); c.-506C>T (NM_001257387.3); short protein forms A91V.
Identifiers: ClinVar variation 1382667 (VCV001382667.8), dbSNP rs748559775, ClinGen allele CA411090436.
Genomic context (GRCh38, chr22:28,734,450, plus strand): 5'-CAAAGGGTCTTACCAAGATTGGCAAATCCATCCTGAAGGGCCCATAATCGAGCCCAGGGG[G>A]CAGGGGTAGGCTCCTCAGGTTCTTGGTCCTCAGGTTCTTGGTCCTCAGGAATAGAATAGA-3'
Protein context (NP_009125.1, residues 81-101): EDQEPEEPTP[Ala91Val]PWARLWALQD

ClinVar aggregate classification (germline): Uncertain significance. Review status: criteria provided, multiple submitters, no conflicts (2 of 4 stars). 2 submissions from 2 submitters: Uncertain significance (2). Last evaluated 2023-09-24.

Conditions:
Hereditary cancer-predisposing syndrome. Also called: Tumor predisposition; Neoplastic Syndromes, Hereditary; Hereditary Cancer Syndrome; Hereditary neoplastic syndrome. Identifiers: Orphanet 140162, MedGen C0027672, MeSH D009386, MONDO:0015356.
Familial cancer of breast. Also called: Hereditary breast cancer; BREAST CANCER, FAMILIAL; hereditary breast carcinoma. Identifiers: Orphanet 227535, MedGen C0346153, MONDO:0016419, OMIM 114480. Disease mechanism: loss of function.

Submissions (2):

Ambry Genetics
Classification: Uncertain significance for Hereditary cancer-predisposing syndrome. Last evaluated: 2023-09-24. Review status: criteria provided, single submitter. Criteria: Ambry Variant Classification Scheme 2023. Collection method: clinical testing. Allele origin: germline.
Comment: The p.A91V variant (also known as c.272C>T), located in coding exon 1 of the CHEK2 gene, results from a C to T substitution at nucleotide position 272. The alanine at codon 91 is replaced by valine, an amino acid with similar properties. This amino acid position is conserved. In addition, the in silico prediction for this alteration is inconclusive. Since supporting evidence is limited at this time, the clinical significance of this alteration remains unclear.

Labcorp Genetics (formerly Invitae), Labcorp
Classification: Uncertain significance for Familial cancer of breast. Last evaluated: 2021-09-22. Review status: criteria provided, single submitter. Criteria: Invitae Variant Classification Sherloc (09022015). Collection method: clinical testing. Allele origin: germline.
Comment: This sequence change replaces alanine with valine at codon 91 of the CHEK2 protein (p.Ala91Val). The alanine residue is moderately conserved and there is a small physicochemical difference between alanine and valine. This variant is not present in population databases (ExAC no frequency). This variant has not been reported in the literature in individuals affected with CHEK2-related conditions. Algorithms developed to predict the effect of missense changes on protein structure and function output the following: SIFT: "Tolerated"; PolyPhen-2: "Benign"; Align-GVGD: "Class C0". The valine amino acid residue is found in multiple mammalian species, which suggests that this missense change does not adversely affect protein function. In summary, the available evidence is currently insufficient to determine the role of this variant in disease. Therefore, it has been classified as a Variant of Uncertain Significance.